The following is an entry in ClinVar:

ClinVar aggregate classification (germline): Uncertain significance (1 of 4 stars; one submission).

Submission:

Ambry Genetics
Classification: Uncertain significance. Last evaluated: 2022-10-24. Review status: criteria provided, single submitter. Criteria: Ambry Variant Classification Scheme 2023. Collection method: clinical testing. Allele origin: germline.
Comment: The p.A759E variant (also known as c.2276C>A), located in coding exon 14 of the POLQ gene, results from a C to A substitution at nucleotide position 2276. The alanine at codon 759 is replaced by glutamic acid, an amino acid with dissimilar properties. This amino acid position is conserved. In addition, this alteration is predicted to be deleterious by in silico analysis. Since supporting evidence is limited at this time, the clinical significance of this alteration remains unclear.

NM_199420.4(POLQ):c.2276C>A (p.Ala759Glu)

Gene: POLQ (DNA polymerase theta; minus strand). Cytogenetic location: 3q13.33.
Variant type: single nucleotide variant.
Coding change: c.2276C>A on transcript NM_199420.4 (MANE Select); coding-DNA position 2276, C replaced by A.
Protein change: p.Ala759Glu; replaces alanine 759 with glutamic acid.
Molecular consequence: missense variant.
Genome position (GRCh38, 1-based): chr3:121,496,810, G>T on the plus strand (C>A on the coding strand, the complement: POLQ is on the minus strand). VCF-style: chr3-121496810-G-T. GRCh37 (hg19) VCF-style: chr3-121215657-G-T.
Other names: short protein forms A759E.
Identifiers: ClinVar variation 1788860 (VCV001788860.2), dbSNP rs1252341970, ClinGen allele CA354108769.